The following is an entry in ClinVar:

NM_001042492.3(NF1):c.5767_5768insAA (p.Thr1923fs)

Gene: NF1 (neurofibromin 1; plus strand). Cytogenetic location: 17q11.2.
Variant type: Insertion.
Coding change: c.5767_5768insAA on transcript NM_001042492.3 (MANE Select); coding-DNA positions 5767 to 5768, AA inserted.
Protein change: p.Thr1923fs; shifts the reading frame from threonine 1923.
Molecular consequence: frameshift variant.
Genome position: GRCh38 VCF-style: chr17-31330452-C-CAA. GRCh37 (hg19) VCF-style: chr17-29657470-C-CAA.
Other names: c.5704_5705insAA, p.Thr1902fs (NM_000267.4); short protein forms T1923fs, T1902fs.
Identifiers: ClinVar variation 4725345 (VCV004725345.1).

ClinVar aggregate classification (germline): Pathogenic (1 of 4 stars; one submission).

Conditions:
Neurofibromatosis, type 1 (NF1). Also called: NEUROFIBROMATOSIS, TYPE I, SOMATIC; VON RECKLINGHAUSEN DISEASE; Peripheral type neurofibromatosis; Neurofibromatosis, type I. Identifiers: Orphanet 636, MedGen C0027831, MONDO:0018975, OMIM 162200. Disease mechanism: loss of function.

Submission:

Labcorp Genetics (formerly Invitae), Labcorp
Classification: Pathogenic for Neurofibromatosis, type 1. Last evaluated: 2025-08-13. Review status: criteria provided, single submitter. Criteria: Invitae Variant Classification Sherloc (09022015). Collection method: clinical testing. Allele origin: germline.
Comment: This sequence change creates a premature translational stop signal (p.Thr1902Lysfs*3) in the NF1 gene. It is expected to result in an absent or disrupted protein product. Loss-of-function variants in NF1 are known to be pathogenic (PMID: 10712197, 23913538). This variant is not present in population databases (gnomAD no frequency). This variant has not been reported in the literature in individuals affected with NF1-related conditions. Algorithms developed to predict the effect of sequence changes on RNA splicing suggest that this variant may disrupt the consensus splice site. For these reasons, this variant has been classified as Pathogenic.

Literature cited by the submitters: PubMed 10712197; PubMed 23913538.